The following is an entry in ClinVar:

ClinVar aggregate classification (germline): Uncertain significance (1 of 4 stars; one submission).

Conditions:
Inflammatory bowel disease. Identifiers: Orphanet 104012, MedGen C0021390, MONDO:0005265, HP:0002037.

Allele frequency attached by ClinVar (database versions not stated): ExAC 0.00001; gnomAD 0.00001; gnomAD exomes 0.00001; TOPMed 0.00003.
gnomAD v4.1: 16 of 1,613,956 alleles (0.00099%); highest among the groups gnomAD compares: East Asian, 0.0045%; no homozygotes.

Submission:

Labcorp Genetics (formerly Invitae), Labcorp
Classification: Uncertain significance for Inflammatory bowel disease. Last evaluated: 2020-11-18. Review status: criteria provided, single submitter. Criteria: Invitae Variant Classification Sherloc (09022015). Collection method: clinical testing. Allele origin: germline.
Comment: In summary, the available evidence is currently insufficient to determine the role of this variant in disease. Therefore, it has been classified as a Variant of Uncertain Significance. Algorithms developed to predict the effect of sequence changes on RNA splicing suggest that this variant may create or strengthen a splice site, but this prediction has not been confirmed by published transcriptional studies. Algorithms developed to predict the effect of missense changes on protein structure and function (SIFT, PolyPhen-2, Align-GVGD) all suggest that this variant is likely to be tolerated, but these predictions have not been confirmed by published functional studies and their clinical significance is uncertain. This variant has not been reported in the literature in individuals with IL10-related conditions. This variant is present in population databases (rs755490123, ExAC 0.001%). This sequence change replaces alanine with valine at codon 107 of the IL10 protein (p.Ala107Val). The alanine residue is weakly conserved and there is a small physicochemical difference between alanine and valine.

NM_000572.3(IL10):c.320C>T (p.Ala107Val)

Genes: IL10 (interleukin 10; minus strand), IL19 (interleukin 19; plus strand), LOC129932369 (ATAC-STARR-seq lymphoblastoid active region 2419; plus strand). Cytogenetic location: 1q32.1.
Variant type: single nucleotide variant.
Coding change: c.320C>T on transcript NM_000572.3 (MANE Select); coding-DNA position 320, C replaced by T.
Protein change: p.Ala107Val; replaces alanine 107 with valine.
Molecular consequence: missense variant. On other transcripts: 5 prime UTR variant (1), non-coding transcript variant (1), intron variant (1).
Genome position (GRCh38, 1-based): chr1:206,770,965, G>A on the plus strand (C>T on the coding strand, the complement: IL10 is on the minus strand). VCF-style: chr1-206770965-G-A. GRCh37 (hg19) VCF-style: chr1-206944310-G-A.
Other names: c.-262G>A (NM_153758.5); c.65C>T, p.Ala22Val (NM_001382624.1); c.-149+135G>A (NM_001393490.1); short protein forms A107V, A22V.
Identifiers: ClinVar variation 1399178 (VCV001399178.6), dbSNP rs755490123, ClinGen allele CA1363779.